The following is an entry in ClinVar:

ClinVar aggregate classification (germline): Likely benign (1 of 4 stars; one submission).

Submission:

CeGaT Center for Human Genetics Tuebingen
Classification: Likely benign. Last evaluated: 2026-08-01. Review status: criteria provided, single submitter. Criteria: CeGaT Center For Human Genetics Tuebingen Variant Classification Criteria Version 2. Collection method: clinical testing. Allele origin: germline. Affected: yes. Observed: 1 variant allele.
Comment: CC2D1A: PM2:Supporting, BP4, BP7

NM_017721.5(CC2D1A):c.1704G>C (p.Leu568=)

Gene: CC2D1A (coiled-coil and C2 domain containing 1A; plus strand). Cytogenetic location: 19p13.12.
Variant type: single nucleotide variant.
Coding change: c.1704G>C on transcript NM_017721.5 (MANE Select); coding-DNA position 1704, G replaced by C.
Protein change: p.Leu568=; no amino-acid change (leucine 568 retained).
Molecular consequence: synonymous variant.
Genome position (GRCh38, 1-based): chr19:13,923,395, G>C. VCF-style: chr19-13923395-G-C. GRCh37 (hg19) VCF-style: chr19-14034208-G-C.
Other names: c.1704G>C, p.Leu568= (NM_001411138.1).
Identifiers: ClinVar variation 5039813 (VCV005039813.1).